The following is an entry in ClinVar:

NM_001322934.2(NFKB2):c.1373C>T (p.Ala458Val)

Gene: NFKB2 (nuclear factor kappa B subunit 2; plus strand). Cytogenetic location: 10q24.32.
Variant type: single nucleotide variant.
Coding change: c.1373C>T on transcript NM_001322934.2 (MANE Select); coding-DNA position 1373, C replaced by T.
Protein change: p.Ala458Val; replaces alanine 458 with valine.
Molecular consequence: missense variant.
Genome position (GRCh38, 1-based): chr10:102,399,622, C>T. VCF-style: chr10-102399622-C-T. GRCh37 (hg19) VCF-style: chr10-104159379-C-T.
Other names: c.1373C>T, p.Ala458Val (NM_001077493.1, NM_001077494.3, NM_001261403.3 and 2 more transcripts); c.1247C>T, p.Ala416Val (NM_001322935.1); short protein forms A416V, A458V.
Identifiers: ClinVar variation 1716984 (VCV001716984.5), dbSNP rs2061189149, ClinGen allele CA377899486.

ClinVar aggregate classification (germline): Uncertain significance (1 of 4 stars; one submission).

Conditions:
Immunodeficiency, common variable, 10. Also called: DEFICIT IN ANTERIOR PITUITARY FUNCTION AND VARIABLE IMMUNODEFICIENCY; IMMUNODEFICIENCY, COMMON VARIABLE, WITH CENTRAL ADRENAL INSUFFICIENCY. Identifiers: MedGen C3809991, MONDO:0014260, OMIM 615577.

Submission:

Labcorp Genetics (formerly Invitae), Labcorp
Classification: Uncertain significance for Immunodeficiency, common variable, 10. Last evaluated: 2022-08-31. Review status: criteria provided, single submitter. Criteria: Invitae Variant Classification Sherloc (09022015). Collection method: clinical testing. Allele origin: germline.
Comment: This sequence change replaces alanine, which is neutral and non-polar, with valine, which is neutral and non-polar, at codon 458 of the NFKB2 protein (p.Ala458Val). This variant is not present in population databases (gnomAD no frequency). This variant has not been reported in the literature in individuals affected with NFKB2-related conditions. Algorithms developed to predict the effect of missense changes on protein structure and function are either unavailable or do not agree on the potential impact of this missense change (SIFT: "Deleterious"; PolyPhen-2: "Possibly Damaging"; Align-GVGD: "Class C0"). In summary, the available evidence is currently insufficient to determine the role of this variant in disease. Therefore, it has been classified as a Variant of Uncertain Significance.